The following is an entry in ClinVar:

NM_014141.6(CNTNAP2):c.2638G>A (p.Asp880Asn)

Gene: CNTNAP2 (contactin associated protein 2; plus strand). Cytogenetic location: 7q35.
Variant type: single nucleotide variant.
Coding change: c.2638G>A on transcript NM_014141.6 (MANE Select); coding-DNA position 2638, G replaced by A.
Protein change: p.Asp880Asn; replaces aspartic acid 880 with asparagine.
Molecular consequence: missense variant.
Genome position (GRCh38, 1-based): chr7:148,147,574, G>A. VCF-style: chr7-148147574-G-A. GRCh37 (hg19) VCF-style: chr7-147844666-G-A.
Other names: c.2638G>A (NM_014141.5); short protein forms D880N.
Identifiers: ClinVar variation 1372248 (VCV001372248.6), dbSNP rs369872780, ClinGen allele CA4546450.

ClinVar aggregate classification (germline): Uncertain significance. Review status: criteria provided, multiple submitters, no conflicts (2 of 4 stars). 2 submissions from 2 submitters: Uncertain significance (2). Last evaluated 2025-12-16.

Conditions:
CNTNAP2-related disorder. Also called: CNTNAP2-related condition.
Cortical dysplasia-focal epilepsy syndrome (PTHSL1). Also called: Pitt-Hopkins-like syndrome 1. Identifiers: Orphanet 163681, Orphanet 221150, MedGen C2750246, MONDO:0012400, OMIM 610042.

Allele frequency attached by ClinVar (database versions not stated): gnomAD exomes below 0.00001; TOPMed below 0.00001; ExAC 0.00001; gnomAD 0.00001; ESP Exome Variant Server 0.00008.
gnomAD v4.1: 1 of 1,613,994 alleles (0.000062%); highest among the groups gnomAD compares: Non-Finnish European, 0.000085%; no homozygotes.

Submissions (2):

PreventionGenetics, part of Exact Sciences
Classification: Uncertain significance for CNTNAP2-related condition. Last evaluated: 2025-12-16. Review status: criteria provided, single submitter. Criteria: ACMG Guidelines, 2015. Collection method: clinical testing. Allele origin: germline.
Comment: The CNTNAP2 c.2638G>A variant is predicted to result in the amino acid substitution p.Asp880Asn. To our knowledge, this variant has not been reported in the literature. This variant is reported in 0.00088% of alleles in individuals of European (Non-Finnish) descent in gnomAD. At this time, the clinical significance of this variant is uncertain due to the absence of conclusive functional and genetic evidence.

Labcorp Genetics (formerly Invitae), Labcorp
Classification: Uncertain significance for Cortical dysplasia-focal epilepsy syndrome. Last evaluated: 2022-06-30. Review status: criteria provided, single submitter. Criteria: Invitae Variant Classification Sherloc (09022015). Collection method: clinical testing. Allele origin: germline.
Comment: This variant is present in population databases (rs369872780, gnomAD 0.0009%). This sequence change replaces aspartic acid, which is acidic and polar, with asparagine, which is neutral and polar, at codon 880 of the CNTNAP2 protein (p.Asp880Asn). This variant has not been reported in the literature in individuals affected with CNTNAP2-related conditions. In summary, the available evidence is currently insufficient to determine the role of this variant in disease. Therefore, it has been classified as a Variant of Uncertain Significance. Algorithms developed to predict the effect of missense changes on protein structure and function are either unavailable or do not agree on the potential impact of this missense change (SIFT: "Deleterious"; PolyPhen-2: "Benign"; Align-GVGD: "Class C15").